The following is an entry in ClinVar:

NM_001378615.1(CC2D2A):c.3115G>A (p.Gly1039Arg)

Genes: CC2D2A (coiled-coil and C2 domain containing 2A; plus strand), FBXL5 (F-box and leucine rich repeat protein 5; minus strand). Cytogenetic location: 4p15.32.
Variant type: single nucleotide variant.
Coding change: c.3115G>A on transcript NM_001378615.1 (MANE Select); coding-DNA position 3115, G replaced by A.
Protein change: p.Gly1039Arg; replaces glycine 1039 with arginine.
Molecular consequence: missense variant.
Genome position (GRCh38, 1-based): chr4:15,563,455, G>A. VCF-style: chr4-15563455-G-A. GRCh37 (hg19) VCF-style: chr4-15565078-G-A.
Other names: c.3115G>A, p.Gly1039Arg (NM_001080522.2); c.2968G>A, p.Gly990Arg (NM_001378617.1); short protein forms G1039R, G990R.
Identifiers: ClinVar variation 1424006 (VCV001424006.5), dbSNP rs1358156436, ClinGen allele CA356415972.

ClinVar aggregate classification (germline): Uncertain significance (1 of 4 stars; one submission).

Conditions:
Joubert syndrome. Also called: JOUBERT-BOLTSHAUSER SYNDROME; Familial aplasia of the vermis. Identifiers: Orphanet 475, MedGen C5979921, MONDO:0018772.
Meckel-Gruber syndrome. Also called: DYSENCEPHALIA SPLANCHNOCYSTICA; GRUBER SYNDROME; Dysencephalia splachnocystica. Identifiers: Orphanet 564, MedGen C0265215, MONDO:0018921.

Allele frequency attached by ClinVar (database versions not stated): gnomAD 0.00001; TOPMed 0.00001.
gnomAD v4.1: 4 of 1,611,894 alleles (0.00025%); highest among the groups gnomAD compares: African/African-American, 0.0013%; no homozygotes.

Submission:

Labcorp Genetics (formerly Invitae), Labcorp
Classification: Uncertain significance for Joubert syndrome; Meckel-Gruber syndrome. Last evaluated: 2021-09-01. Review status: criteria provided, single submitter. Criteria: Invitae Variant Classification Sherloc (09022015). Collection method: clinical testing. Allele origin: germline.
Comment: This sequence change replaces glycine with arginine at codon 1039 of the CC2D2A protein (p.Gly1039Arg). The glycine residue is highly conserved and there is a moderate physicochemical difference between glycine and arginine. This variant is not present in population databases (ExAC no frequency). This variant has not been reported in the literature in individuals affected with CC2D2A-related conditions. Advanced modeling of protein sequence and biophysical properties (such as structural, functional, and spatial information, amino acid conservation, physicochemical variation, residue mobility, and thermodynamic stability) performed at Invitae indicates that this missense variant is expected to disrupt CC2D2A protein function. Algorithms developed to predict the effect of sequence changes on RNA splicing suggest that this variant may create or strengthen a splice site. In summary, the available evidence is currently insufficient to determine the role of this variant in disease. Therefore, it has been classified as a Variant of Uncertain Significance.